The following is an entry in ClinVar:

NM_001127464.1:c.3906dupC

Gene: ZNF469 (zinc finger protein 469; plus strand).
Variant type: Duplication.
Identifiers: ClinVar variation 4209175 (VCV004209175.1).

ClinVar aggregate classification (germline): Pathogenic (1 of 4 stars; one submission).

Conditions:
Cardiovascular phenotype. Identifiers: MedGen CN230736.

Submission:

Ambry Genetics
Classification: Pathogenic for Cardiovascular phenotype. Last evaluated: 2025-07-31. Review status: criteria provided, single submitter. Criteria: Ambry Variant Classification Scheme 2023. Collection method: clinical testing. Allele origin: germline.
Comment: The c.3906dupC pathogenic mutation, located in coding exon 2 of the ZNF469 gene, results from a duplication of C at nucleotide position 3906, causing a translational frameshift with a predicted alternate stop codon (p.V1303Rfs*3). This alteration occurs at the 3' terminus of theZNF469 gene, is not expected to trigger nonsense-mediated mRNA decay, and impacts the last 66% of the protein. However, premature stop codons are typically deleterious in nature and a significant portion of the protein is affected (Ambry internal data). This variant is considered to be rare based on population cohorts in the Genome Aggregation Database (gnomAD). Based on the supporting evidence, this variant is interpreted as a disease-causing mutation.